The following is an entry in ClinVar:

ClinVar aggregate classification (germline): Uncertain significance (1 of 4 stars; one submission).

Conditions:
Hereditary cancer-predisposing syndrome. Also called: Neoplastic Syndromes, Hereditary; Hereditary neoplastic syndrome; Tumor predisposition; Hereditary Cancer Syndrome. Identifiers: Orphanet 140162, MedGen C0027672, MeSH D009386, MONDO:0015356.

Submission:

Color Diagnostics, LLC DBA Color Health
Classification: Uncertain significance for Hereditary cancer-predisposing syndrome. Last evaluated: 2025-07-30. Review status: criteria provided, single submitter. Criteria: ACMG Guidelines, 2015. Collection method: clinical testing. Allele origin: germline.
Comment: This missense variant replaces serine with alanine at codon 2695 of the BRCA2 protein. Computational prediction is inconclusive regarding the impact of this variant on protein structure and function. Functional studies have reported that this variant does not impact BRCA2 in a haploid cell proliferation assay and in sensitivity assays to cisplatin and PARP inhibitor (PMID: 39779848, 39779857). To our knowledge, this variant has not been reported in individuals affected with BRCA2-related disorders in the literature. This variant has not been identified in the general population by the Genome Aggregation Database (gnomAD). The available evidence is insufficient to determine the role of this variant in disease conclusively. Therefore, this variant is classified as a Variant of Uncertain Significance.

Literature cited by the submitters: PubMed 39779848; PubMed 39779857.

NM_000059.4(BRCA2):c.8083T>G (p.Ser2695Ala)

Gene: BRCA2 (BRCA2 DNA repair associated; plus strand). Cytogenetic location: 13q13.1.
Variant type: single nucleotide variant.
Coding change: c.8083T>G on transcript NM_000059.4 (MANE Select); coding-DNA position 8083, T replaced by G.
Protein change: p.Ser2695Ala; replaces serine 2695 with alanine.
Molecular consequence: missense variant. On other transcripts: non-coding transcript variant (1).
Genome position (GRCh38, 1-based): chr13:32,363,285, T>G. VCF-style: chr13-32363285-T-G. GRCh37 (hg19) VCF-style: chr13-32937422-T-G.
Other names: c.7987T>G, p.Ser2663Ala (NM_001406719.1); c.8083T>G, p.Ser2695Ala (NM_001406720.1, NM_001432077.1); c.3151T>G, p.Ser1051Ala (NM_001406721.1); c.1666T>G, p.Ser556Ala (NM_001406722.1); short protein forms S1051A, S2663A, S2695A, S556A.
Identifiers: ClinVar variation 4759097 (VCV004759097.1).
Genomic context (GRCh38, chr13:32,363,285, plus strand): 5'-ATAATGGAAAGGGATGACACAGCTGCAAAAACACTTGTTCTCTGTGTTTCTGACATAATT[T>G]CATTGAGCGCAAATATATCTGAAACTTCTAGCAATAAAACTAGTAGTGCAGATACCCAAA-3'
Protein context (NP_000050.3, residues 2685-2705): TLVLCVSDII[Ser2695Ala]LSANISETSS